The following is an entry in ClinVar:

NM_016507.4(CDK12):c.3089C>T (p.Pro1030Leu)

Gene: CDK12 (cyclin dependent kinase 12; plus strand). Cytogenetic location: 17q12.
Variant type: single nucleotide variant.
Coding change: c.3089C>T on transcript NM_016507.4 (MANE Select); coding-DNA position 3089, C replaced by T.
Protein change: p.Pro1030Leu; replaces proline 1030 with leucine.
Molecular consequence: missense variant.
Genome position (GRCh38, 1-based): chr17:39,520,081, C>T. VCF-style: chr17-39520081-C-T. GRCh37 (hg19) VCF-style: chr17-37676334-C-T.
Other names: c.3089C>T, p.Pro1030Leu (NM_015083.4); short protein forms P1030L.
Identifiers: ClinVar variation 3830747 (VCV003830747.1).
Genomic context (GRCh38, chr17:39,520,081, plus strand): 5'-CAGCTGAACAGACCCTACAGAGCGACTTCCTTAAAGATGTCGAACTCAGCAAAATGGCTC[C>T]TCCAGAGTAAGTGCTGGTAGCCATGTTGTGACCCTAAATCTTTCCCTGGGCCTTAGACGA-3'
Protein context (NP_057591.2, residues 1020-1040): LKDVELSKMA[Pro1030Leu]PDLPHWQDCH

ClinVar aggregate classification (germline): Uncertain significance (1 of 4 stars; one submission).

gnomAD v4.1: 3 of 1,613,990 alleles (0.00019%); highest among the groups gnomAD compares: Non-Finnish European, 0.000085%; no homozygotes.

Submission:

Ambry Genetics
Classification: Uncertain significance. Last evaluated: 2025-03-04. Review status: criteria provided, single submitter. Criteria: Ambry Variant Classification Scheme 2023. Collection method: clinical testing. Allele origin: germline.
Comment: The p.P1030L variant (also known as c.3089C>T), located in coding exon 11 of the CDK12 gene, results from a C to T substitution at nucleotide position 3089. The proline at codon 1030 is replaced by leucine, an amino acid with similar properties. This amino acid position is conserved. In addition, the in silico prediction for this alteration is inconclusive. Based on the available evidence, the clinical significance of this variant remains unclear.